The following is an entry in ClinVar:

NM_014639.4(SKIC3):c.234+1G>C

Gene: SKIC3 (SKI3 subunit of superkiller complex; minus strand). Cytogenetic location: 5q15.
Variant type: single nucleotide variant.
Coding change: c.234+1G>C on transcript NM_014639.4 (MANE Select); the canonical splice donor site of the intron after coding-DNA position 234, G replaced by C.
Molecular consequence: splice donor variant.
Genome position (GRCh38, 1-based): chr5:95,543,183, C>G on the plus strand (G>C on the coding strand, the complement: SKIC3 is on the minus strand). VCF-style: chr5-95543183-C-G. GRCh37 (hg19) VCF-style: chr5-94878887-C-G.
Identifiers: ClinVar variation 2788178 (VCV002788178.3), dbSNP rs767849877, ClinGen allele CA360446330.

ClinVar aggregate classification (germline): Likely pathogenic (1 of 4 stars; one submission).

Submission:

Labcorp Genetics (formerly Invitae), Labcorp
Classification: Likely pathogenic. Last evaluated: 2023-03-27. Review status: criteria provided, single submitter. Criteria: Invitae Variant Classification Sherloc (09022015). Collection method: clinical testing. Allele origin: germline.
Comment: In summary, the currently available evidence indicates that the variant is pathogenic, but additional data are needed to prove that conclusively. Therefore, this variant has been classified as Likely Pathogenic. Algorithms developed to predict the effect of sequence changes on RNA splicing suggest that this variant may disrupt the consensus splice site. This variant has not been reported in the literature in individuals affected with TTC37-related conditions. This variant is not present in population databases (gnomAD no frequency). This sequence change affects a donor splice site in intron 5 of the TTC37 gene. It is expected to disrupt RNA splicing. Variants that disrupt the donor or acceptor splice site typically lead to a loss of protein function (PMID: 16199547), and loss-of-function variants in TTC37 are known to be pathogenic (PMID: 20176027, 21120949).

Literature cited by the submitters: PubMed 16199547; PubMed 20176027; PubMed 21120949.